The following is an entry in ClinVar:

NM_004247.4(EFTUD2):c.1585C>T (p.Arg529Cys)

Gene: EFTUD2 (elongation factor Tu GTP binding domain containing 2; minus strand). Cytogenetic location: 17q21.31.
Variant type: single nucleotide variant.
Coding change: c.1585C>T on transcript NM_004247.4 (MANE Select); coding-DNA position 1585, C replaced by T.
Protein change: p.Arg529Cys; replaces arginine 529 with cysteine.
Molecular consequence: missense variant.
Genome position (GRCh38, 1-based): chr17:44,862,735, G>A on the plus strand (C>T on the coding strand, the complement: EFTUD2 is on the minus strand). VCF-style: chr17-44862735-G-A. GRCh37 (hg19) VCF-style: chr17-42940103-G-A.
Other names: c.1480C>T, p.Arg494Cys (NM_001142605.2); c.1585C>T, p.Arg529Cys (NM_001258353.2); c.1555C>T, p.Arg519Cys (NM_001258354.2); short protein forms R494C, R519C, R529C.
Identifiers: ClinVar variation 1699394 (VCV001699394.5), dbSNP rs376157050, ClinGen allele CA290989421.

ClinVar aggregate classification (germline): Uncertain significance. Review status: criteria provided, multiple submitters, no conflicts (2 of 4 stars). 2 submissions from 2 submitters: Uncertain significance (2). Last evaluated 2023-08-14.

Conditions:
Inborn genetic diseases. Identifiers: MedGen C0950123, MeSH D030342.
Mandibulofacial dysostosis-microcephaly syndrome (MFDGA). Also called: Growth and mental retardation, mandibulofacial dysostosis, microcephaly, and cleft palate; Mandibulofacial dysostosis, Guion-Almeida type. Identifiers: Orphanet 79113, MedGen C1864652, MONDO:0012516, OMIM 610536.

Allele frequency attached by ClinVar (database versions not stated): gnomAD exomes 0.00001; TOPMed 0.00001; ESP Exome Variant Server 0.00008.
gnomAD v4.1: 3 of 1,613,874 alleles (0.00019%); highest among the groups gnomAD compares: East Asian, 0.0022%; no homozygotes.

Submissions (2):

Ambry Genetics
Classification: Uncertain significance for Inborn genetic diseases. Last evaluated: 2023-08-14. Review status: criteria provided, single submitter. Criteria: Ambry Variant Classification Scheme 2023. Collection method: clinical testing. Allele origin: germline.

Victorian Clinical Genetics Services, Murdoch Childrens Research Institute
Classification: Uncertain significance for Mandibulofacial dysostosis-microcephaly syndrome. Last evaluated: 2022-02-02. Review status: criteria provided, single submitter. Criteria: ACMG Guidelines, 2015. Collection method: clinical testing. Allele origin: germline. Inheritance: Autosomal dominant inheritance. Affected: yes.
Comment: Based on the classification scheme VCGS_Germline_v1.3.4, this variant is classified as VUS-3A Following criteria are met: 0102 - Loss of function is a known mechanism of disease in this gene and is associated with mandibulofacial dysostosis, Guion-Almeida type (MIM#610536). (I) 0107 - This gene is associated with autosomal dominant disease. (I) 0200 - Variant is predicted to result in a missense amino acid change from arginine to cysteine. (I) 0251 - This variant is heterozygous. (I) 0301 - Variant is absent from gnomAD (both v2 and v3). (SP) 0309 - An alternative amino acid change at the same position has been observed in gnomAD (v2) (p.(Arg529His): 2 heterozygotes, 0 homozygotes). (I) 0501 - Missense variant consistently predicted to be damaging by multiple in silico tools or highly conserved with a major amino acid change. (SP) 0600 - Variant is located in the annotated elongation factor Tu domain 2 (Decipher). (I) 0705 - No comparable missense variants have previous evidence for pathogenicity. (I) 0807 - This variant has no previous evidence of pathogenicity. (I) 0905 - No published segregation evidence has been identified for this variant. (I) 1007 - No published functional evidence has been identified for this variant. (SP) Legend: (SP) - Supporting pathogenic, (I) - Information, (SB) - Supporting benign